The following is an entry in ClinVar:

NM_000306.4(POU1F1):c.787del (p.Cys263fs)

Gene: POU1F1 (POU class 1 homeobox 1; minus strand). Cytogenetic location: 3p11.2.
Variant type: Deletion.
Coding change: c.787del on transcript NM_000306.4 (MANE Select); coding-DNA position 787, one base deleted (T; older notation c.787delT).
Protein change: p.Cys263fs; shifts the reading frame from cysteine 263.
Molecular consequence: frameshift variant.
Genome position (GRCh38, 1-based): chr3:87,259,983, A deleted on the plus strand (T on the coding strand, the reverse complement: POU1F1 is on the minus strand); the first of 4 consecutive A bases (chr3:87,259,983-87,259,986); deleting any one gives the same sequence. VCF-style (leftmost placement, unchanged base first): chr3-87259982-CA-C. GRCh37 (hg19) VCF-style: chr3-87309132-CA-C.
Other names: c.865del, p.Cys289fs (NM_001122757.3); short protein forms C263fs, C289fs.
Identifiers: ClinVar variation 2790971 (VCV002790971.3), dbSNP rs2471783321, ClinGen allele CA2739279977.

ClinVar aggregate classification (germline): Pathogenic (1 of 4 stars; one submission).

Submission:

Labcorp Genetics (formerly Invitae), Labcorp
Classification: Pathogenic. Last evaluated: 2023-09-06. Review status: criteria provided, single submitter. Criteria: Invitae Variant Classification Sherloc (09022015). Collection method: clinical testing. Allele origin: germline.
Comment: For these reasons, this variant has been classified as Pathogenic. This variant disrupts a region of the POU1F1 protein in which other variant(s) (p.Arg265Trp) have been determined to be pathogenic (PMID: 22010633, 27541381, 33742319). This suggests that this is a clinically significant region of the protein, and that variants that disrupt it are likely to be disease-causing. This variant has not been reported in the literature in individuals affected with POU1F1-related conditions. This variant is not present in population databases (gnomAD no frequency). This sequence change creates a premature translational stop signal (p.Cys263Alafs*10) in the POU1F1 gene. While this is not anticipated to result in nonsense mediated decay, it is expected to disrupt the last 29 amino acid(s) of the POU1F1 protein.

Literature cited by the submitters: PubMed 22010633; PubMed 27541381; PubMed 33742319.